The following is an entry in ClinVar:

NM_001070.5(TUBG1):c.348G>C (p.Glu116Asp)

Gene: TUBG1 (tubulin gamma 1; plus strand). Cytogenetic location: 17q21.2.
Variant type: single nucleotide variant.
Coding change: c.348G>C on transcript NM_001070.5 (MANE Select); coding-DNA position 348, G replaced by C.
Protein change: p.Glu116Asp; replaces glutamic acid 116 with aspartic acid.
Molecular consequence: missense variant.
Genome position (GRCh38, 1-based): chr17:42,612,092, G>C. VCF-style: chr17-42612092-G-C. GRCh37 (hg19) VCF-style: chr17-40764110-G-C.
Other names: short protein forms E116D.
Identifiers: ClinVar variation 4075621 (VCV004075621.1).
Genomic context (GRCh38, chr17:42,612,092, plus strand): 5'-CCATGGTTCTGTCCCACTCTGACCCTCCCCTATGTCTGTACAGGGAGAAAAGATCCATGA[G>C]GACATTTTTGACATCATAGACCGGGAGGCAGATGGTAGTGACAGTCTAGAGGTAAGTGTC-3'
Protein context (NP_001061.2, residues 106-126): SGFSQGEKIH[Glu116Asp]DIFDIIDREA

ClinVar aggregate classification (germline): Uncertain significance (1 of 4 stars; one submission).

Submission:

GeneDx
Classification: Uncertain significance. Last evaluated: 2025-02-14. Review status: criteria provided, single submitter. Criteria: GeneDx Variant Classification Process June 2021. Collection method: clinical testing. Allele origin: germline. Affected: yes.
Comment: Not observed at significant frequency in large population cohorts (gnomAD); In silico analysis indicates that this missense variant does not alter protein structure/function; Has not been previously published as pathogenic or benign to our knowledge